The following is an entry in ClinVar:

NM_020247.5(COQ8A):c.1805C>G (p.Pro602Arg)

Gene: COQ8A (coenzyme Q8A; plus strand). Cytogenetic location: 1q42.13.
Variant type: single nucleotide variant.
Coding change: c.1805C>G on transcript NM_020247.5 (MANE Select); coding-DNA position 1805, C replaced by G.
Protein change: p.Pro602Arg; replaces proline 602 with arginine.
Molecular consequence: missense variant.
Genome position (GRCh38, 1-based): chr1:226,986,598, C>G. VCF-style: chr1-226986598-C-G. GRCh37 (hg19) VCF-style: chr1-227174299-C-G.
Other names: short protein forms P602R.
Identifiers: ClinVar variation 976102 (VCV000976102.10), dbSNP rs61995958, ClinGen allele CA1425675.

ClinVar aggregate classification (germline): Conflicting classifications of pathogenicity. Review status: criteria provided, conflicting classifications (1 of 4 stars). 3 submissions from 3 submitters: Pathogenic (1); Uncertain significance (2). Last evaluated 2025-04-11.

Conditions:
Autosomal recessive ataxia due to ubiquinone deficiency. Also called: Coenzyme Q10 deficiency, primary, 4; SPINOCEREBELLAR ATAXIA, AUTOSOMAL RECESSIVE 9. Identifiers: Orphanet 139485, MedGen C2677589, MONDO:0012784, OMIM 612016.

Allele frequency attached by ClinVar (database versions not stated): TOPMed 0.00002.
gnomAD v4.1: 22 of 1,613,924 alleles (0.0014%); highest among the groups gnomAD compares: Admixed American, 0.005%; no homozygotes.

Submissions (3):

Labcorp Genetics (formerly Invitae), Labcorp
Classification: Pathogenic. Last evaluated: 2025-04-11. Review status: criteria provided, single submitter. Criteria: Invitae Variant Classification Sherloc (09022015). Collection method: clinical testing. Allele origin: germline.
Comment: This sequence change replaces proline, which is neutral and non-polar, with arginine, which is basic and polar, at codon 602 of the COQ8A protein (p.Pro602Arg). This variant is present in population databases (rs61995958, gnomAD 0.03%). This missense change has been observed in individual(s) with coenzyme Q10 deficiency (PMID: 24048965). It has also been observed to segregate with disease in related individuals. ClinVar contains an entry for this variant (Variation ID: 976102). Invitae Evidence Modeling of protein sequence and biophysical properties (such as structural, functional, and spatial information, amino acid conservation, physicochemical variation, residue mobility, and thermodynamic stability) indicates that this missense variant is expected to disrupt COQ8A protein function with a positive predictive value of 80%. This variant disrupts the p.Pro602 amino acid residue in COQ8A. Other variant(s) that disrupt this residue have been determined to be pathogenic (internal data). This suggests that this residue is clinically significant, and that variants that disrupt this residue are likely to be disease-causing. For these reasons, this variant has been classified as Pathogenic.

Genetic Services Laboratory, University of Chicago
Classification: Uncertain significance. Last evaluated: 2019-07-30. Review status: criteria provided, single submitter. Criteria: ACMG Guidelines, 2015. Collection method: clinical testing. Allele origin: germline. Affected: no.

Institute of Human Genetics, University of Leipzig Medical Center
Classification: Uncertain significance for Autosomal recessive ataxia due to ubiquinone deficiency. Last evaluated: 2017-09-27. Review status: criteria provided, single submitter. Criteria: ACMG Guidelines, 2015. Collection method: clinical testing. Allele origin: germline. Affected: yes. Observed: 1 variant allele.
Comment: This variant was identified as homozygous

Literature cited by the submitters: PubMed 24048965 (cited by Labcorp Genetics (formerly Invitae), Labcorp).